The following is an entry in ClinVar:

ClinVar aggregate classification (germline): Uncertain significance (1 of 4 stars; one submission).

Allele frequency attached by ClinVar (database versions not stated): gnomAD 0.00001; TOPMed 0.00002.
gnomAD v4.1: 2 of 1,612,388 alleles (0.00012%); highest among the groups gnomAD compares: African/African-American, 0.0013%; no homozygotes.

Submission:

Ambry Genetics
Classification: Uncertain significance. Last evaluated: 2024-06-14. Review status: criteria provided, single submitter. Criteria: Ambry Variant Classification Scheme 2023. Collection method: clinical testing. Allele origin: germline.
Comment: The p.M2081I variant (also known as c.6243G>A), located in coding exon 10 of the ALPK2 gene, results from a G to A substitution at nucleotide position 6243. The methionine at codon 2081 is replaced by isoleucine, an amino acid with highly similar properties. This amino acid position is conserved. In addition, this alteration is predicted to be tolerated by in silico analysis. Since supporting evidence is limited at this time, the clinical significance of this alteration remains unclear.

NM_052947.4(ALPK2):c.6243G>A (p.Met2081Ile)

Gene: ALPK2 (alpha kinase 2; minus strand). Cytogenetic location: 18q21.31.
Variant type: single nucleotide variant.
Coding change: c.6243G>A on transcript NM_052947.4 (MANE Select); coding-DNA position 6243, G replaced by A.
Protein change: p.Met2081Ile; replaces methionine 2081 with isoleucine.
Molecular consequence: missense variant.
Genome position (GRCh38, 1-based): chr18:58,503,935, C>T on the plus strand (G>A on the coding strand, the complement: ALPK2 is on the minus strand). VCF-style: chr18-58503935-C-T. GRCh37 (hg19) VCF-style: chr18-56171167-C-T.
Other names: short protein forms M2081I.
Identifiers: ClinVar variation 1752393 (VCV001752393.3), dbSNP rs1466503153, ClinGen allele CA402542993.